The following is an entry in ClinVar:

ClinVar aggregate classification (germline): Likely benign (1 of 4 stars; one submission).

Submission:

CeGaT Center for Human Genetics Tuebingen
Classification: Likely benign. Last evaluated: 2023-09-01. Review status: criteria provided, single submitter. Criteria: CeGaT Center For Human Genetics Tuebingen Variant Classification Criteria Version 2. Collection method: clinical testing. Allele origin: germline. Affected: yes. Observed: 1 variant allele.
Comment: DNM1: PM2:Supporting, BP4, BP7

NM_004408.4(DNM1):c.1845C>T (p.Ser615=)

Gene: DNM1 (dynamin 1; plus strand). Cytogenetic location: 9q34.11.
Variant type: single nucleotide variant.
Coding change: c.1845C>T on transcript NM_004408.4 (MANE Select); coding-DNA position 1845, C replaced by T.
Protein change: p.Ser615=; no amino-acid change (serine 615 retained).
Molecular consequence: synonymous variant.
Genome position (GRCh38, 1-based): chr9:128,247,438, C>T. VCF-style: chr9-128247438-C-T. GRCh37 (hg19) VCF-style: chr9-131009717-C-T.
Other names: c.1845C>T, p.Ser615= (NM_001005336.3, NM_001288737.2, NM_001288738.2 and 2 more transcripts).
Identifiers: ClinVar variation 2659528 (VCV002659528.24), dbSNP rs2131287825, ClinGen allele CA467283153.
Genomic context (GRCh38, chr9:128,247,438, plus strand): 5'-TGTCTACAAGGATTATCGGCAGCTGGAGCTAGCCTGTGAGACACAGGAGGAGGTGGACAG[C>T]TGGAAGGCCTCCTTCCTGAGGGCTGGCGTGTACCCTGAGCGTGTTGGGGTGAGTGGCAGG-3'
Protein context (NP_004399.2, residues 605-625): LACETQEEVD[Ser615=]WKASFLRAGV